The following is an entry in ClinVar:

ClinVar aggregate classification (germline): Pathogenic (1 of 4 stars; one submission).

Conditions:
Cobalamin C disease. Also called: Methylmalonic aciduria and homocystinuria, Vitamin B12-responsive; Vitamin B12 metabolic defect with combined deficiency of methylmalonyl-CoA mutase and homocysteine:methyltetrahydrofolate methyltransferase; methylmalonic aciduria and homocystinuria type cblC; Methylmalonic aciduria with homocystinuria cblC type; Cobalamin-C methylmalonic acidemia and homocystinuria; Methylmalonic acidemia and homocystinuria cblC type. Identifiers: Orphanet 26, Orphanet 79282, MedGen C1848561, MONDO:0010184, OMIM 277400.

Submission:

Labcorp Genetics (formerly Invitae), Labcorp
Classification: Pathogenic for Cobalamin C disease. Last evaluated: 2022-08-29. Review status: criteria provided, single submitter. Criteria: Invitae Variant Classification Sherloc (09022015). Collection method: clinical testing. Allele origin: germline.
Comment: For these reasons, this variant has been classified as Pathogenic. This variant disrupts a region of the MMACHC protein in which other variant(s) (p.Tyr222*) have been determined to be pathogenic (PMID: 16311595, 19767224, 30157807). This suggests that this is a clinically significant region of the protein, and that variants that disrupt it are likely to be disease-causing. This variant has not been reported in the literature in individuals affected with MMACHC-related conditions. This variant is not present in population databases (gnomAD no frequency). This sequence change creates a premature translational stop signal (p.Ile160Hisfs*22) in the MMACHC gene. While this is not anticipated to result in nonsense mediated decay, it is expected to disrupt the last 123 amino acid(s) of the MMACHC protein.

Literature cited by the submitters: PubMed 16311595; PubMed 19767224; PubMed 30157807.

NM_015506.3(MMACHC):c.477_478insCATCCGAGGGGTAGTGCTGCTGCCAGGGATAGAGGTGCCAGATCTGCCACCCAGAAAACCTCATGACTGTGTACCTACAAGAGCTGAC (p.Ile160delinsHisProArgGlySerAlaAlaAlaArgAspArgGlyAlaArgSerAlaThrGlnLysThrSerTer)

Gene: MMACHC (metabolism of cobalamin associated C; plus strand). Cytogenetic location: 1p34.1.
Variant type: Insertion.
Coding change: c.477_478insCATCCGAGGGGTAGTGCTGCTGCCAGGGATAGAGGTGCCAGATCTGCCACCCAGAAAACCTCATGACTGTGTACCTACAAGAGCTGAC on transcript NM_015506.3 (MANE Select); coding-DNA positions 477 to 478, CATCCGAGGGGTAGTGCTGCTGCCAGGGATAGAGGTGCCAGATCTGCCACCCAGAAAACCTCATGACTGTGTACCTACAAGAGCTGAC inserted.
Protein change: p.Ile160delinsHisProArgGlySerAlaAlaAlaArgAspArgGlyAlaArgSerAlaThrGlnLysThrSerTer.
Molecular consequence: nonsense.
Genome position: GRCh38: chr1:45,508,843-45,508,844. GRCh37 (hg19): chr1:45,974,515-45,974,516.
Other names: c.306_307insCATCCGAGGGGTAGTGCTGCTGCCAGGGATAGAGGTGCCAGATCTGCCACCCAGAAAACCTCATGACTGTGTACCTACAAGAGCTGAC, p.Ile103delinsHisProArgGlySerAlaAlaAlaArgAspArgGlyAlaArgSerAlaThrGlnLysThrSerTer (NM_001330540.2).
Identifiers: ClinVar variation 2027786 (VCV002027786.4), dbSNP rs2522827076, ClinGen allele CA2580062897.